The following is an entry in ClinVar:

NM_182931.3(KMT2E):c.4591T>C (p.Tyr1531His)

Gene: KMT2E (lysine methyltransferase 2E (inactive); plus strand). Cytogenetic location: 7q22.3.
Variant type: single nucleotide variant.
Coding change: c.4591T>C on transcript NM_182931.3 (MANE Select); coding-DNA position 4591, T replaced by C.
Protein change: p.Tyr1531His; replaces tyrosine 1531 with histidine.
Molecular consequence: missense variant.
Genome position (GRCh38, 1-based): chr7:105,112,347, T>C. VCF-style: chr7-105112347-T-C. GRCh37 (hg19) VCF-style: chr7-104752794-T-C.
Other names: c.4465T>C, p.Tyr1489His (NM_001410908.1); c.4591T>C, p.Tyr1531His (NM_018682.4); short protein forms Y1531H, Y1489H.
Identifiers: ClinVar variation 2106491 (VCV002106491.6), dbSNP rs1029414996, ClinGen allele CA164024004.

ClinVar aggregate classification (germline): Uncertain significance. Review status: criteria provided, multiple submitters, no conflicts (2 of 4 stars). 3 submissions from 3 submitters: Uncertain significance (3). Last evaluated 2023-08-04.

Conditions:
Inborn genetic diseases. Identifiers: MedGen C0950123, MeSH D030342.

Allele frequency attached by ClinVar (database versions not stated): TOPMed below 0.00001; gnomAD 0.00001.
gnomAD v4.1: 3 of 1,613,198 alleles (0.00019%); highest among the groups gnomAD compares: Non-Finnish European, 0.00025%; no homozygotes.

Submissions (3):

Blueprint Genetics
Classification: Uncertain significance. Last evaluated: 2023-08-04. Review status: criteria provided, single submitter. Criteria: ACMG Guidelines, 2015. Collection method: clinical testing. Allele origin: germline.

Labcorp Genetics (formerly Invitae), Labcorp
Classification: Uncertain significance. Last evaluated: 2022-05-05. Review status: criteria provided, single submitter. Criteria: Invitae Variant Classification Sherloc (09022015). Collection method: clinical testing. Allele origin: germline.
Comment: In summary, the available evidence is currently insufficient to determine the role of this variant in disease. Therefore, it has been classified as a Variant of Uncertain Significance. Algorithms developed to predict the effect of missense changes on protein structure and function are either unavailable or do not agree on the potential impact of this missense change (SIFT: "Deleterious"; PolyPhen-2: "Benign"; Align-GVGD: "Class C0"). This variant has not been reported in the literature in individuals affected with KMT2E-related conditions. This variant is present in population databases (no rsID available, gnomAD 0.002%). This sequence change replaces tyrosine, which is neutral and polar, with histidine, which is basic and polar, at codon 1531 of the KMT2E protein (p.Tyr1531His).

Ambry Genetics
Classification: Uncertain significance for Inborn genetic diseases. Last evaluated: 2021-08-12. Review status: criteria provided, single submitter. Criteria: Ambry Variant Classification Scheme 2023. Collection method: clinical testing. Allele origin: germline.